The following is an entry in ClinVar:

NM_001853.4(COL9A3):c.1414G>A (p.Gly472Arg)

Genes: COL9A3 (collagen type IX alpha 3 chain; plus strand), LOC126863084 (MED14-independent group 3 enhancer GRCh37_chr20:61467141-61468340; plus strand). Cytogenetic location: 20q13.33.
Variant type: single nucleotide variant.
Coding change: c.1414G>A on transcript NM_001853.4 (MANE Select); coding-DNA position 1414, G replaced by A.
Protein change: p.Gly472Arg; replaces glycine 472 with arginine.
Molecular consequence: missense variant.
Genome position (GRCh38, 1-based): chr20:62,836,199, G>A. VCF-style: chr20-62836199-G-A. GRCh37 (hg19) VCF-style: chr20-61467551-G-A.
Other names: short protein forms G472R.
Identifiers: ClinVar variation 1912340 (VCV001912340.6), dbSNP rs1383589775, ClinGen allele CA409596940.
Genomic context (GRCh38, chr20:62,836,199, plus strand): 5'-TGGGCTCCTGGGCTCGCCCCTGACCCACCTTCCTCTGTTCCTCTGCAGTCTGGCAGTCGA[G>A]GGGAGCTGGGCCCCAAAGGCACCCAGGGTCCCAACGGCACCAGCGGTGTTCAGGGTGTCC-3'
Protein context (NP_001844.3, residues 462-482): VGPKGESGSR[Gly472Arg]ELGPKGTQGP

ClinVar aggregate classification (germline): Uncertain significance. Review status: criteria provided, multiple submitters, no conflicts (2 of 4 stars). 2 submissions from 2 submitters: Uncertain significance (2). Last evaluated 2025-06-12.

Allele frequency attached by ClinVar (database versions not stated): gnomAD exomes 0.00001.
gnomAD v4.1: 21 of 1,613,408 alleles (0.0013%); highest among the groups gnomAD compares: Non-Finnish European, 0.0017%; no homozygotes.

Submissions (2):

Labcorp Genetics (formerly Invitae), Labcorp
Classification: Uncertain significance. Last evaluated: 2025-06-12. Review status: criteria provided, single submitter. Criteria: Invitae Variant Classification Sherloc (09022015). Collection method: clinical testing. Allele origin: germline.
Comment: This sequence change replaces glycine, which is neutral and non-polar, with arginine, which is basic and polar, at codon 472 of the COL9A3 protein (p.Gly472Arg). This variant is present in population databases (no rsID available, gnomAD 0.0009%). This missense change has been observed in individual(s) with adolescent idopathic scoliosis (PMID: 26566670). ClinVar contains an entry for this variant (Variation ID: 1912340). Invitae Evidence Modeling of protein sequence and biophysical properties (such as structural, functional, and spatial information, amino acid conservation, physicochemical variation, residue mobility, and thermodynamic stability) indicates that this missense variant is expected to disrupt COL9A3 protein function with a positive predictive value of 95%. In summary, the available evidence is currently insufficient to determine the role of this variant in disease. Therefore, it has been classified as a Variant of Uncertain Significance.

Blueprint Genetics
Classification: Uncertain significance. Last evaluated: 2020-09-04. Review status: criteria provided, single submitter. Criteria: ACMG Guidelines, 2015. Collection method: clinical testing. Allele origin: germline.

Literature cited by the submitters: PubMed 26566670 (cited by Labcorp Genetics (formerly Invitae), Labcorp).